The following is an entry in ClinVar:

NM_004104.5(FASN):c.4054C>T (p.Pro1352Ser)

Gene: FASN (fatty acid synthase; minus strand). Cytogenetic location: 17q25.3.
Variant type: single nucleotide variant.
Coding change: c.4054C>T on transcript NM_004104.5 (MANE Select); coding-DNA position 4054, C replaced by T.
Protein change: p.Pro1352Ser; replaces proline 1352 with serine.
Molecular consequence: missense variant.
Genome position (GRCh38, 1-based): chr17:82,085,550, G>A on the plus strand (C>T on the coding strand, the complement: FASN is on the minus strand). VCF-style: chr17-82085550-G-A. GRCh37 (hg19) VCF-style: chr17-80043426-G-A.
Other names: c.4054C>T (NM_004104.4); short protein forms P1352S.
Identifiers: ClinVar variation 1385439 (VCV001385439.7), dbSNP rs1215065702, ClinGen allele CA401549159.
Genomic context (GRCh38, chr17:82,085,550, plus strand): 5'-GGATGCCCTGGCCATACTGCGGCTCAGTGGAGGTGAGGAAGGCCACGATGTCCCCGAGGG[G>A]GTGCCCCCGGAGCAGTGTGTGCAGGAGCAGAAAGCCCCCTTCTCTCAGGGCAGCCACCAT-3'
Protein context (NP_004095.4, residues 1342-1362): LLLHTLLRGH[Pro1352Ser]LGDIVAFLTS

ClinVar aggregate classification (germline): Uncertain significance. Review status: criteria provided, multiple submitters, no conflicts (2 of 4 stars). 2 submissions from 2 submitters: Uncertain significance (2). Last evaluated 2025-10-07.

Conditions:
Epileptic encephalopathy. Identifiers: MedGen C0543888, HP:0200134.

Allele frequency attached by ClinVar (database versions not stated): gnomAD 0.00003; gnomAD exomes below 0.00001.
gnomAD v4.1: 6 of 1,595,082 alleles (0.00038%); highest among the groups gnomAD compares: African/African-American, 0.008%; no homozygotes.

Submissions (2):

Ambry Genetics
Classification: Uncertain significance. Last evaluated: 2025-10-07. Review status: criteria provided, single submitter. Criteria: Ambry Variant Classification Scheme 2023. Collection method: clinical testing. Allele origin: germline.

Labcorp Genetics (formerly Invitae), Labcorp
Classification: Uncertain significance for Epileptic encephalopathy. Last evaluated: 2025-07-03. Review status: criteria provided, single submitter. Criteria: Invitae Variant Classification Sherloc (09022015). Collection method: clinical testing. Allele origin: germline.
Comment: This sequence change replaces proline, which is neutral and non-polar, with serine, which is neutral and polar, at codon 1352 of the FASN protein (p.Pro1352Ser). This variant is present in population databases (no rsID available, gnomAD 0.01%). This variant has not been reported in the literature in individuals affected with FASN-related conditions. ClinVar contains an entry for this variant (Variation ID: 1385439). An algorithm developed to predict the effect of missense changes on protein structure and function outputs the following: PolyPhen-2: "Benign". The serine amino acid residue is found in multiple mammalian species, which suggests that this missense change does not adversely affect protein function. In summary, the available evidence is currently insufficient to determine the role of this variant in disease. Therefore, it has been classified as a Variant of Uncertain Significance.